The following is an entry in ClinVar:

ClinVar aggregate classification (germline): Uncertain significance. Review status: criteria provided, multiple submitters, no conflicts (2 of 4 stars). 2 submissions from 2 submitters: Uncertain significance (2). Last evaluated 2025-10-16.

Conditions:
Renal cell carcinoma. Identifiers: Orphanet 217071, MedGen C0007134, MeSH D002292, MONDO:0005086, HP:0005584.
Hereditary cancer-predisposing syndrome. Also called: Tumor predisposition; Hereditary neoplastic syndrome; Hereditary Cancer Syndrome; Neoplastic Syndromes, Hereditary. Identifiers: Orphanet 140162, MedGen C0027672, MeSH D009386, MONDO:0015356.

Allele frequency attached by ClinVar (database versions not stated): gnomAD exomes below 0.00001; gnomAD 0.00001.
gnomAD v4.1: 3 of 1,613,062 alleles (0.00019%); highest among the groups gnomAD compares: Non-Finnish European, 0.00025%; no homozygotes.

Submissions (2):

Labcorp Genetics (formerly Invitae), Labcorp
Classification: Uncertain significance for Renal cell carcinoma. Last evaluated: 2025-10-16. Review status: criteria provided, single submitter. Criteria: Invitae Variant Classification Sherloc (09022015). Collection method: clinical testing. Allele origin: germline.
Comment: This sequence change replaces lysine, which is basic and polar, with asparagine, which is neutral and polar, at codon 889 of the MET protein (p.Lys889Asn). This variant is present in population databases (no rsID available, gnomAD 0.007%). This variant has not been reported in the literature in individuals affected with MET-related conditions. ClinVar contains an entry for this variant (Variation ID: 576296). Invitae Evidence Modeling of protein sequence and biophysical properties (such as structural, functional, and spatial information, amino acid conservation, physicochemical variation, residue mobility, and thermodynamic stability) indicates that this missense variant is not expected to disrupt MET protein function with a negative predictive value of 80%. In summary, the available evidence is currently insufficient to determine the role of this variant in disease. Therefore, it has been classified as a Variant of Uncertain Significance.

Ambry Genetics
Classification: Uncertain significance for Hereditary cancer-predisposing syndrome. Last evaluated: 2024-06-10. Review status: criteria provided, single submitter. Criteria: Ambry Variant Classification Scheme 2023. Collection method: clinical testing. Allele origin: germline.
Comment: The p.K889N variant (also known as c.2667A>C), located in coding exon 11 of the MET gene, results from an A to C substitution at nucleotide position 2667. The lysine at codon 889 is replaced by asparagine, an amino acid with similar properties. This amino acid position is well conserved in available vertebrate species. In addition, this alteration is predicted to be tolerated by in silico analysis. Since supporting evidence is limited at this time, the clinical significance of this alteration remains unclear.

NM_000245.4(MET):c.2613A>C (p.Lys871Asn)

Gene: MET (MET proto-oncogene, receptor tyrosine kinase; plus strand). Cytogenetic location: 7q31.2.
Variant type: single nucleotide variant.
Coding change: c.2613A>C on transcript NM_000245.4 (MANE Select); coding-DNA position 2613, A replaced by C.
Protein change: p.Lys871Asn; replaces lysine 871 with asparagine.
Molecular consequence: missense variant.
Genome position (GRCh38, 1-based): chr7:116,769,674, A>C. VCF-style: chr7-116769674-A-C. GRCh37 (hg19) VCF-style: chr7-116409728-A-C.
Other names: c.1323A>C, p.Lys441Asn (NM_001324402.2); c.2667A>C, p.Lys889Asn (NM_001127500.3); c.2613A>C, p.Lys871Asn (NM_001324401.3); short protein forms K889N, K441N, K871N.
Identifiers: ClinVar variation 576296 (VCV000576296.13), dbSNP rs1385709850, ClinGen allele CA368985372.
Genomic context (GRCh38, chr7:116,769,674, plus strand): 5'-TAACAACCTTTTTTTTTTTTTTTCCTTTCAGGGAAATGATATTGACCCTGAAGCAGTTAA[A>C]GGTGAAGTGTTAAAAGTTGGAAATAAGAGCTGTGAGAATATACACTTACATTCTGAAGCC-3'
Protein context (NP_000236.2, residues 861-881): KGNDIDPEAV[Lys871Asn]GEVLKVGNKS